The following is an entry in ClinVar:

ClinVar aggregate classification (germline): Uncertain significance (1 of 4 stars; one submission).

Allele frequency attached by ClinVar (database versions not stated): gnomAD 0.00001; gnomAD exomes 0.00001; TOPMed 0.00001.
gnomAD v4.1: 8 of 1,613,738 alleles (0.0005%); highest among the groups gnomAD compares: Admixed American, 0.0017%; no homozygotes.

Submission:

GeneDx
Classification: Uncertain significance. Last evaluated: 2020-02-13. Review status: criteria provided, single submitter. Criteria: GeneDx Variant Classification Process June 2021. Collection method: clinical testing. Allele origin: germline. Affected: yes.
Comment: Not observed at a significant frequency in large population cohorts (Lek et al., 2016); In silico analysis supports that this missense variant does not alter protein structure/function; Has not been previously published as pathogenic or benign to our knowledge

NM_139281.3(WDR36):c.2411G>A (p.Arg804Gln)

Gene: WDR36 (WD repeat domain 36; plus strand). Cytogenetic location: 5q22.1.
Variant type: single nucleotide variant.
Coding change: c.2411G>A on transcript NM_139281.3 (MANE Select); coding-DNA position 2411, G replaced by A.
Protein change: p.Arg804Gln; replaces arginine 804 with glutamine.
Molecular consequence: missense variant.
Genome position (GRCh38, 1-based): chr5:111,125,668, G>A. VCF-style: chr5-111125668-G-A. GRCh37 (hg19) VCF-style: chr5-110461366-G-A.
Other names: short protein forms R804Q.
Identifiers: ClinVar variation 1315070 (VCV001315070.2), dbSNP rs1361732567, ClinGen allele CA360615656.